The following is an entry in ClinVar:

ClinVar aggregate classification (germline): Likely pathogenic (1 of 4 stars; one submission).

Submission:

GeneDx
Classification: Likely pathogenic. Last evaluated: 2019-05-21. Review status: criteria provided, single submitter. Criteria: GeneDx Variant Classification Process June 2021. Collection method: clinical testing. Allele origin: germline. Affected: yes.
Comment: Not observed in large population cohorts (Lek et al., 2016); In silico analysis, which includes protein predictors and evolutionary conservation, supports a deleterious effect; The majority of missense variants in this gene are considered pathogenic (Stenson et al., 2014); Has not been previously published as pathogenic or benign to our knowledge

NM_000444.6(PHEX):c.1366T>G (p.Trp456Gly)

Gene: PHEX (phosphate regulating endopeptidase X-linked; plus strand). Cytogenetic location: Xp22.11.
Variant type: single nucleotide variant.
Coding change: c.1366T>G on transcript NM_000444.6 (MANE Select); coding-DNA position 1366, T replaced by G.
Protein change: p.Trp456Gly; replaces tryptophan 456 with glycine.
Molecular consequence: missense variant.
Genome position (GRCh38, 1-based): chrX:22,133,586, T>G. VCF-style: chrX-22133586-T-G. GRCh37 (hg19) VCF-style: chrX-22151703-T-G.
Other names: c.1366T>G, p.Trp456Gly (NM_001282754.2); short protein forms W456G.
Identifiers: ClinVar variation 1194448 (VCV001194448.2), dbSNP rs1085308012, ClinGen allele CA412574675.